The following is an entry in ClinVar:

ClinVar aggregate classification (germline): Pathogenic. Review status: criteria provided, multiple submitters, no conflicts (2 of 4 stars). 3 submissions from 3 submitters: Pathogenic (2). 1 of the submissions does not count toward it. Last evaluated 2026-01-05.

Conditions:
Sialidosis. Identifiers: Orphanet 309294, MedGen C0268226, MONDO:0017734.
Sialidosis type 2. Also called: NEURAMINIDASE DEFICIENCY; Mucolipidosis type 1; NEU 1 deficiency; CHERRY RED SPOT--MYOCLONUS SYNDROME; ML I; NEU DEFICIENCY. Identifiers: Orphanet 812, Orphanet 87876, MedGen C4282398, MONDO:0009738, OMIM 256550.

Allele frequency attached by ClinVar (database versions not stated): TOPMed below 0.00001.

Submissions (3):

Women's Health and Genetics/Laboratory Corporation of America, LabCorp
Classification: Pathogenic for Sialidosis. Last evaluated: 2026-01-05. Review status: criteria provided, single submitter. Criteria: LabCorp Variant Classification Summary - May 2015. Collection method: clinical testing. Allele origin: germline.
Comment: Variant summary: NEU1 c.87G>A (p.Trp29X) results in a premature termination codon, predicted to cause a truncation of the encoded protein or absence of the protein due to nonsense mediated decay, which are commonly known mechanisms for disease. The variant was absent in 245108 control chromosomes. c.87G>A has been observed in at least 1 individual(s) affected with Sialidosis (example, Sergi_2001). The following publication has been ascertained in the context of this evaluation (PMID: 11702224). ClinVar contains an entry for this variant (Variation ID: 2451). Based on the evidence outlined above, the variant was classified as pathogenic.

Labcorp Genetics (formerly Invitae), Labcorp
Classification: Pathogenic. Last evaluated: 2023-04-18. Review status: criteria provided, single submitter. Criteria: Invitae Variant Classification Sherloc (09022015). Collection method: clinical testing. Allele origin: germline.
Comment: For these reasons, this variant has been classified as Pathogenic. ClinVar contains an entry for this variant (Variation ID: 2451). This premature translational stop signal has been observed in individual(s) with clinical features of sialidosis type II (PMID: 11702224). This variant is not present in population databases (gnomAD no frequency). This sequence change creates a premature translational stop signal (p.Trp29*) in the NEU1 gene. It is expected to result in an absent or disrupted protein product. Loss-of-function variants in NEU1 are known to be pathogenic (PMID: 11063730, 14517945).

OMIM
Classification: Pathogenic for SIALIDOSIS, TYPE II. Last evaluated: 2001-10-01. Review status: no assertion criteria provided. Collection method: literature only. Allele origin: germline. Not counted in ClinVar's aggregate classification.

Literature cited by the submitters: PubMed 11702224 (cited by 3 submitters); PubMed 11063730 (cited by Labcorp Genetics (formerly Invitae), Labcorp); PubMed 14517945 (cited by Labcorp Genetics (formerly Invitae), Labcorp).

NM_000434.4(NEU1):c.87G>A (p.Trp29Ter)

Gene: NEU1 (neuraminidase 1; minus strand). Cytogenetic location: 6p21.33.
Variant type: single nucleotide variant.
Coding change: c.87G>A on transcript NM_000434.4 (MANE Select); coding-DNA position 87, G replaced by A.
Protein change: p.Trp29Ter; replaces tryptophan 29 with a stop codon.
Molecular consequence: nonsense.
Genome position (GRCh38, 1-based): chr6:31,862,690, C>T on the plus strand (G>A on the coding strand, the complement: NEU1 is on the minus strand). VCF-style: chr6-31862690-C-T. GRCh37 (hg19) VCF-style: chr6-31830467-C-T.
Other names: short protein forms W29*.
Identifiers: ClinVar variation 2451 (VCV000002451.5), dbSNP rs104893984, ClinGen allele CA212560.
Genomic context (GRCh38, chr6:31,862,690, plus strand): 5'-GTTCTCAGCCTTGGACCAGGAGGCTGCCAGAGACAGCAGCAGGAAGATCGCGGCAAACAC[C>T]CAAACCCTACAGCCTCCCCAGAAGCCCAGAATCCGCGGCCCCCAGCGTCTGTCCGGGAGC-3'